The following is an entry in ClinVar:

ClinVar aggregate classification (germline): Uncertain significance. Review status: criteria provided, multiple submitters, no conflicts (2 of 4 stars). 4 submissions from 4 submitters: Uncertain significance (4). Last evaluated 2025-03-12.

Conditions:
Dilated cardiomyopathy 1JJ (CMD1JJ). Identifiers: Orphanet 154, MedGen C3808935, MONDO:0014095, OMIM 615235.
Cardiovascular phenotype. Identifiers: MedGen CN230736.

Allele frequency attached by ClinVar (database versions not stated): TOPMed 0.00001; gnomAD 0.00002; gnomAD exomes 0.00002 and 0.00003; ExAC 0.00003; ESP Exome Variant Server 0.00015.
gnomAD v4.1: 34 of 1,614,100 alleles (0.0021%); highest among the groups gnomAD compares: African/African-American, 0.0027%; no homozygotes.

Submissions (4):

Labcorp Genetics (formerly Invitae), Labcorp
Classification: Uncertain significance for Dilated cardiomyopathy 1JJ. Last evaluated: 2025-03-12. Review status: criteria provided, single submitter. Criteria: Invitae Variant Classification Sherloc (09022015). Collection method: clinical testing. Allele origin: germline.
Comment: This sequence change replaces asparagine, which is neutral and polar, with serine, which is neutral and polar, at codon 735 of the LAMA4 protein (p.Asn735Ser). This variant is present in population databases (rs374279330, gnomAD 0.01%). This variant has not been reported in the literature in individuals affected with LAMA4-related conditions. ClinVar contains an entry for this variant (Variation ID: 178054). Invitae Evidence Modeling of protein sequence and biophysical properties (such as structural, functional, and spatial information, amino acid conservation, physicochemical variation, residue mobility, and thermodynamic stability) indicates that this missense variant is not expected to disrupt LAMA4 protein function with a negative predictive value of 80%. In summary, the available evidence is currently insufficient to determine the role of this variant in disease. Therefore, it has been classified as a Variant of Uncertain Significance.

Fulgent Genetics
Classification: Uncertain significance for Dilated cardiomyopathy 1JJ. Last evaluated: 2021-08-23. Review status: criteria provided, single submitter. Criteria: ACMG Guidelines, 2015. Collection method: clinical testing. Allele origin: unknown.

Ambry Genetics
Classification: Uncertain significance for Cardiovascular phenotype. Last evaluated: 2021-07-22. Review status: criteria provided, single submitter. Criteria: Ambry Variant Classification Scheme 2023. Collection method: clinical testing. Allele origin: germline.
Comment: The p.N735S variant (also known as c.2204A>G), located in coding exon 17 of the LAMA4 gene, results from an A to G substitution at nucleotide position 2204. The asparagine at codon 735 is replaced by serine, an amino acid with highly similar properties. This amino acid position is conserved. In addition, this alteration is predicted to be tolerated by in silico analysis. Since supporting evidence is limited at this time, the clinical significance of this alteration remains unclear.

Laboratory for Molecular Medicine, Mass General Brigham Personalized Medicine
Classification: Uncertain significance. Last evaluated: 2013-04-03. Review status: criteria provided, single submitter. Criteria: LMM Criteria. Collection method: clinical testing. Allele origin: germline. Observed: 1 variant allele.
Comment: Variant classified as Uncertain Significance - Favor Benign. The Asn735Ser varia nt in LAMA4 has not been reported in the literature nor previously identified by our laboratory. This variant has been identified in 1/8600 European American ch romosomes and 1/4406 African American chromosomes from a broad population by the NHLBI Exome Sequencing Project. Asparagine ( Asn) at position 735 is not conserved in mammals or evolutionarily distant speci es and 1 mammal (dog) carries a serine (Ser; this variant), raising the possibil ity that this change may be tolerated. In addition, other computational analyses (biochemical amino acid properties, AlignGVGD, PolyPhen2, and SIFT) also sugges t that this variant may not impact the protein, though this information is not p redictive enough to rule out pathogenicity. Although this data supports that the Asn735Ser variant may be benign, additional studies are needed to fully assess its clinical significance.

NM_001105206.3(LAMA4):c.2225A>G (p.Asn742Ser)

Gene: LAMA4 (laminin subunit alpha 4; minus strand). Cytogenetic location: 6q21.
Variant type: single nucleotide variant.
Coding change: c.2225A>G on transcript NM_001105206.3 (MANE Select); coding-DNA position 2225, A replaced by G.
Protein change: p.Asn742Ser; replaces asparagine 742 with serine.
Molecular consequence: missense variant.
Genome position (GRCh38, 1-based): chr6:112,148,285, T>C on the plus strand (A>G on the coding strand, the complement: LAMA4 is on the minus strand). VCF-style: chr6-112148285-T-C. GRCh37 (hg19) VCF-style: chr6-112469487-T-C.
Other names: c.2204A>G, p.Asn735Ser (NM_001105207.3, NM_002290.5); short protein forms N735S, N742S.
Identifiers: ClinVar variation 178054 (VCV000178054.15), dbSNP rs374279330, ClinGen allele CA181287.